The following is an entry in ClinVar:

NM_001267550.2(TTN):c.100883C>T (p.Thr33628Ile)

Genes: TTN-AS1 (TTN antisense RNA 1; plus strand), TTN (titin; minus strand). Cytogenetic location: 2q31.2.
Variant type: single nucleotide variant.
Coding change: c.100883C>T on transcript NM_001267550.2 (MANE Select); coding-DNA position 100883, C replaced by T.
Protein change: p.Thr33628Ile; replaces threonine 33628 with isoleucine.
Molecular consequence: missense variant. On other transcripts: non-coding transcript variant (1).
Genome position (GRCh38, 1-based): chr2:178,535,732, G>A on the plus strand (C>T on the coding strand, the complement: TTN is on the minus strand). VCF-style: chr2-178535732-G-A. GRCh37 (hg19) VCF-style: chr2-179400459-G-A.
Other names: c.95960C>T, p.Thr31987Ile (NM_001256850.1); c.73688C>T, p.Thr24563Ile (NM_003319.4); c.93179C>T, p.Thr31060Ile (NM_133378.4); c.74063C>T, p.Thr24688Ile (NM_133432.3); c.74264C>T, p.Thr24755Ile (NM_133437.4); short protein forms T31060I, T33628I, T24563I, T24755I, T31987I, T24688I.
Identifiers: ClinVar variation 191828 (VCV000191828.10), dbSNP rs200085900, ClinGen allele CA237650.

ClinVar aggregate classification (germline): Uncertain significance. Review status: criteria provided, multiple submitters, no conflicts (2 of 4 stars). 2 submissions from 2 submitters: Uncertain significance (2). Last evaluated 2025-01-06.

Conditions:
Dilated cardiomyopathy 1G (CMD1G). Identifiers: Orphanet 154, MedGen C1858763, MONDO:0011400, OMIM 604145.
Autosomal recessive limb-girdle muscular dystrophy type 2J (LGMDR10). Also called: Limb-girdle muscular dystrophy, type 2J; MUSCULAR DYSTROPHY, LIMB-GIRDLE, AUTOSOMAL RECESSIVE 10. Identifiers: Orphanet 140922, MedGen C1837342, MONDO:0012127, OMIM 608807.

Allele frequency attached by ClinVar (database versions not stated): gnomAD exomes below 0.00001.
gnomAD v4.1: 2 of 1,613,688 alleles (0.00012%); highest among the groups gnomAD compares: Middle Eastern, 0.016%; no homozygotes.

Submissions (2):

Labcorp Genetics (formerly Invitae), Labcorp
Classification: Uncertain significance for Dilated cardiomyopathy 1G; Autosomal recessive limb-girdle muscular dystrophy type 2J. Last evaluated: 2025-01-06. Review status: criteria provided, single submitter. Criteria: Invitae Variant Classification Sherloc (09022015). Collection method: clinical testing. Allele origin: germline.
Comment: This sequence change replaces threonine, which is neutral and polar, with isoleucine, which is neutral and non-polar, at codon 33628 of the TTN protein (p.Thr33628Ile). This variant is not present in population databases (gnomAD no frequency). This variant has not been reported in the literature in individuals affected with TTN-related conditions. ClinVar contains an entry for this variant (Variation ID: 191828). Experimental studies and prediction algorithms are not available or were not evaluated, and the functional significance of this variant is currently unknown. This variant is located in the M band of TTN (PMID: 25589632). Non-truncating variants in this region may be relevant for neuromuscular disorders, but have not been definitively shown to cause cardiomyopathy (PMID: 23975875). In summary, the available evidence is currently insufficient to determine the role of this variant in disease. Therefore, it has been classified as a Variant of Uncertain Significance.

Biesecker Lab/Clinical Genomics Section, National Institutes of Health
Classification: Uncertain significance. Last evaluated: 2013-06-24. Review status: criteria provided, single submitter. Criteria: Ng et al. (Circ Cardiovasc Genet. 2013). Collection method: research. Allele origin: unknown. Observed: 1 variant allele. Study: ClinSeq.
Comment: The study set was not selected for affection status in relation to any cancer. Pathogenicity categories were based on literature curation. See Pubmed ID:23861362 for details.

Medical sequencing

Literature cited by the submitters: PubMed 25589632 (cited by Labcorp Genetics (formerly Invitae), Labcorp); PubMed 23975875 (cited by Labcorp Genetics (formerly Invitae), Labcorp).